The following is an entry in ClinVar:

ClinVar aggregate classification (germline): Uncertain significance (1 of 4 stars; one submission).

Conditions:
Inborn genetic diseases. Identifiers: MedGen C0950123, MeSH D030342.

Submission:

Ambry Genetics
Classification: Uncertain significance for Inborn genetic diseases. Last evaluated: 2026-08-08. Review status: criteria provided, single submitter. Criteria: Ambry Variant Classification Scheme 2023. Collection method: clinical testing. Allele origin: germline.
Comment: The p.P797A variant (also known as c.2389C>G), located in coding exon 1 of the SAMD9L gene, results from a C to G substitution at nucleotide position 2389. The proline at codon 797 is replaced by alanine, an amino acid with highly similar properties. This amino acid position is conserved. In addition, the in silico prediction for this alteration is inconclusive. Based on the available evidence, the clinical significance of this variant remains unclear.

NM_152703.5(SAMD9L):c.2389C>G (p.Pro797Ala)

Gene: SAMD9L (sterile alpha motif domain containing 9 like; minus strand). Cytogenetic location: 7q21.2.
Variant type: single nucleotide variant.
Coding change: c.2389C>G on transcript NM_152703.5 (MANE Select); coding-DNA position 2389, C replaced by G.
Protein change: p.Pro797Ala; replaces proline 797 with alanine.
Molecular consequence: missense variant.
Genome position (GRCh38, 1-based): chr7:93,133,583, G>C on the plus strand (C>G on the coding strand, the complement: SAMD9L is on the minus strand). VCF-style: chr7-93133583-G-C. GRCh37 (hg19) VCF-style: chr7-92762896-G-C.
Other names: c.2389C>G, p.Pro797Ala (NM_001303496.3, NM_001303497.3, NM_001303498.3 and 5 more transcripts); short protein forms P797A.
Identifiers: ClinVar variation 5028936 (VCV005028936.1).